The following is an entry in ClinVar:

NM_139343.3(BIN1):c.84+4286_84+4287delinsAT

Gene: BIN1 (bridging integrator 1; minus strand). Cytogenetic location: 2q14.3.
Variant type: Indel.
Coding change: c.84+4286_84+4287delinsAT on transcript NM_139343.3 (MANE Select); bases 4286 to 4287 of the intron after coding-DNA position 84, GG replaced by AT.
Molecular consequence: intron variant.
Genome position (GRCh38, 1-based): chr2:127,102,573-127,102,574, CC replaced by AT on the plus strand (GG replaced by AT on the coding strand, the reverse complement: BIN1 is on the minus strand). VCF-style: chr2-127102573-CC-AT. GRCh37 (hg19) VCF-style: chr2-127860149-CC-AT.
Other names: c.84+4286_84+4287delinsAT (NM_139351.3, NM_139350.3, NM_139349.3 and 10 more transcripts).
Identifiers: ClinVar variation 2860454 (VCV002860454.3), dbSNP rs2467751109, ClinGen allele CA2739271206.

ClinVar aggregate classification (germline): Uncertain significance (1 of 4 stars; one submission).

Conditions:
Myopathy, centronuclear, 2 (CNM2). Also called: MYOTUBULAR MYOPATHY, AUTOSOMAL RECESSIVE. Identifiers: Orphanet 169186, MedGen CN031787, MONDO:0009709, OMIM 255200.

Submission:

Labcorp Genetics (formerly Invitae), Labcorp
Classification: Uncertain significance for Myopathy, centronuclear, 2. Last evaluated: 2023-01-05. Review status: criteria provided, single submitter. Criteria: Invitae Variant Classification Sherloc (09022015). Collection method: clinical testing. Allele origin: germline.
Comment: This sequence change falls in intron 1 of the BIN1 gene. It does not directly change the encoded amino acid sequence of the BIN1 protein. Information on the frequency of this variant in the gnomAD database is not available, as this variant may be reported differently in the database. This variant has not been reported in the literature in individuals affected with BIN1-related conditions. Experimental studies and prediction algorithms are not available or were not evaluated, and the effect of this variant on mRNA splicing is currently unknown. In summary, the available evidence is currently insufficient to determine the role of this variant in disease. Therefore, it has been classified as a Variant of Uncertain Significance.